The following is an entry in ClinVar:

ClinVar aggregate classification (germline): Uncertain significance (1 of 4 stars; one submission).

Submission:

Labcorp Genetics (formerly Invitae), Labcorp
Classification: Uncertain significance. Last evaluated: 2020-09-10. Review status: criteria provided, single submitter. Criteria: Invitae Variant Classification Sherloc (09022015). Collection method: clinical testing. Allele origin: germline.
Comment: This sequence change creates a premature translational stop signal (p.Leu957Argfs*35) in the OBSL1 gene. It is expected to result in an absent or disrupted protein product. In summary, the available evidence is currently insufficient to determine the role of this variant in disease. Therefore, it has been classified as a Variant of Uncertain Significance. The current clinical and genetic evidence is not sufficient to establish whether loss-of-function variants in OBSL1 cause disease. Algorithms developed to predict the effect of sequence changes on RNA splicing suggest that this variant may create or strengthen a splice site, but this prediction has not been confirmed by published transcriptional studies. This variant has not been reported in the literature in individuals with OBSL1-related conditions. This variant is not present in population databases (ExAC no frequency).

NM_015311.3(OBSL1):c.2809_2869dup (p.Leu957fs)

Gene: OBSL1 (obscurin like cytoskeletal adaptor 1; minus strand). Cytogenetic location: 2q35.
Variant type: Duplication.
Coding change: c.2809_2869dup on transcript NM_015311.3 (MANE Select); coding-DNA positions 2809 to 2869, 61 bases duplicated.
Protein change: p.Leu957fs; shifts the reading frame from leucine 957.
Molecular consequence: frameshift variant.
Genome position (GRCh38, 1-based): chr2:219,562,486-219,562,546, 61 bases duplicated. GRCh37 (hg19): chr2:220,427,208-220,427,268.
Other names: c.2809_2869dup, p.Leu957fs (NM_001173408.2, NM_001173431.2); short protein forms L957fs.
Identifiers: ClinVar variation 1061177 (VCV001061177.9), dbSNP rs2106066357, ClinGen allele CA2499215685.